The following is an entry in ClinVar:

ClinVar aggregate classification (germline): Likely benign (1 of 4 stars; one submission).

gnomAD v4.1: 7 of 1,613,274 alleles (0.00043%); highest among the groups gnomAD compares: African/African-American, 0.0027%; no homozygotes.

Submission:

CeGaT Center for Human Genetics Tuebingen
Classification: Likely benign. Last evaluated: 2024-10-01. Review status: criteria provided, single submitter. Criteria: CeGaT Center For Human Genetics Tuebingen Variant Classification Criteria Version 2. Collection method: clinical testing. Allele origin: germline. Affected: yes. Observed: 1 variant allele.
Comment: KMT2B: BP4, BP7

NM_014727.3(KMT2B):c.954A>G (p.Gln318=)

Gene: KMT2B (lysine methyltransferase 2B; plus strand). Cytogenetic location: 19q13.12.
Variant type: single nucleotide variant.
Coding change: c.954A>G on transcript NM_014727.3 (MANE Select); coding-DNA position 954, A replaced by G.
Protein change: p.Gln318=; no amino-acid change (glutamine 318 retained).
Molecular consequence: synonymous variant.
Genome position (GRCh38, 1-based): chr19:35,720,301, A>G. VCF-style: chr19-35720301-A-G. GRCh37 (hg19) VCF-style: chr19-36211203-A-G.
Identifiers: ClinVar variation 3388988 (VCV003388988.14).